The following is an entry in ClinVar:

ClinVar aggregate classification (germline): Uncertain significance (1 of 4 stars; one submission).

Conditions:
Hereditary cancer-predisposing syndrome. Also called: Hereditary Cancer Syndrome; Hereditary neoplastic syndrome; Neoplastic Syndromes, Hereditary; Tumor predisposition. Identifiers: Orphanet 140162, MedGen C0027672, MeSH D009386, MONDO:0015356.

Submission:

Ambry Genetics
Classification: Uncertain significance for Hereditary cancer-predisposing syndrome. Last evaluated: 2025-06-24. Review status: criteria provided, single submitter. Criteria: Ambry Variant Classification Scheme 2023. Collection method: clinical testing. Allele origin: germline.
Comment: The p.S3147T variant (also known as c.9439T>A), located in coding exon 24 of the BRCA2 gene, results from a T to A substitution at nucleotide position 9439. The serine at codon 3147 is replaced by threonine, an amino acid with similar properties. This amino acid position is conserved. In addition, the in silico prediction for this alteration is inconclusive. Based on the available evidence, the clinical significance of this variant remains unclear.

NM_000059.4(BRCA2):c.9439T>A (p.Ser3147Thr)

Gene: BRCA2 (BRCA2 DNA repair associated; plus strand). Cytogenetic location: 13q13.1.
Variant type: single nucleotide variant.
Coding change: c.9439T>A on transcript NM_000059.4 (MANE Select); coding-DNA position 9439, T replaced by A.
Protein change: p.Ser3147Thr; replaces serine 3147 with threonine.
Molecular consequence: missense variant. On other transcripts: non-coding transcript variant (1).
Genome position (GRCh38, 1-based): chr13:32,394,871, T>A. VCF-style: chr13-32394871-T-A. GRCh37 (hg19) VCF-style: chr13-32969008-T-A.
Other names: c.9343T>A, p.Ser3115Thr (NM_001406719.1); c.9388T>A, p.Ser3130Thr (NM_001406720.1); c.4507T>A, p.Ser1503Thr (NM_001406721.1); c.3022T>A, p.Ser1008Thr (NM_001406722.1); c.9439T>A, p.Ser3147Thr (NM_001432077.1); short protein forms S3115T, S3147T, S1503T, S1008T, S3130T.
Identifiers: ClinVar variation 4215800 (VCV004215800.1).